The following is an entry in ClinVar:

ClinVar aggregate classification (germline): Uncertain significance (1 of 4 stars; one submission).

Conditions:
Neuropathy, hereditary sensory and autonomic, type 2A (HSAN2A). Also called: ACROOSTEOLYSIS, GIACCAI TYPE; ACROOSTEOLYSIS, NEUROGENIC; MORVAN DISEASE; NEUROPATHY, CONGENITAL SENSORY; NEUROPATHY, HEREDITARY SENSORY RADICULAR, AUTOSOMAL RECESSIVE; NEUROPATHY, HEREDITARY SENSORY, TYPE IIA. Identifiers: Orphanet 970, MedGen C2752089, MONDO:0024309, OMIM 201300.
Pseudohypoaldosteronism type 2C (PHA2C). Also called: Pseudohypoaldosteronism Type IIC. Identifiers: Orphanet 757, Orphanet 88940, MedGen C1840391, MONDO:0013778, OMIM 614492.

Submission:

Labcorp Genetics (formerly Invitae), Labcorp
Classification: Uncertain significance for Neuropathy, hereditary sensory and autonomic, type 2A; Pseudohypoaldosteronism type 2C. Last evaluated: 2023-05-31. Review status: criteria provided, single submitter. Criteria: Invitae Variant Classification Sherloc (09022015). Collection method: clinical testing. Allele origin: germline.
Comment: In summary, the available evidence is currently insufficient to determine the role of this variant in disease. Therefore, it has been classified as a Variant of Uncertain Significance. Advanced modeling of protein sequence and biophysical properties (such as structural, functional, and spatial information, amino acid conservation, physicochemical variation, residue mobility, and thermodynamic stability) performed at Invitae indicates that this missense variant is not expected to disrupt WNK1 protein function. This variant has not been reported in the literature in individuals affected with WNK1-related conditions. This variant is not present in population databases (gnomAD no frequency). This sequence change replaces valine, which is neutral and non-polar, with leucine, which is neutral and non-polar, at codon 1030 of the WNK1 protein (p.Val1030Leu).

NM_213655.5(WNK1):c.3088G>C (p.Val1030Leu)

Gene: WNK1 (WNK lysine deficient protein kinase 1; plus strand). Cytogenetic location: 12p13.33.
Variant type: single nucleotide variant.
Coding change: c.3088G>C on transcript NM_213655.5 (MANE Plus Clinical); coding-DNA position 3088, G replaced by C.
Protein change: p.Val1030Leu; replaces valine 1030 with leucine.
Molecular consequence: missense variant. On other transcripts: intron variant (2).
Genome position (GRCh38, 1-based): chr12:868,559, G>C. VCF-style: chr12-868559-G-C. GRCh37 (hg19) VCF-style: chr12-977725-G-C.
Other names: c.2833G>C, p.Val945Leu (NM_001184985.2); c.2140-2706G>C (NM_018979.4, NM_014823.3); short protein forms V1030L, V945L.
Identifiers: ClinVar variation 2948390 (VCV002948390.3), dbSNP rs2548796181, ClinGen allele CA383340273.